The following is an entry in ClinVar:

ClinVar aggregate classification (germline): Uncertain significance (1 of 4 stars; one submission).

Conditions:
Amyotrophic lateral sclerosis type 21. Also called: VOCAL CORD AND PHARYNGEAL DYSFUNCTION WITH DISTAL MYOPATHY; MYOPATHY, DISTAL, 2. Identifiers: Orphanet 600, Orphanet 803, MedGen C3807521, MONDO:0011632, OMIM 606070.

Submission:

Labcorp Genetics (formerly Invitae), Labcorp
Classification: Uncertain significance for Amyotrophic lateral sclerosis type 21. Last evaluated: 2025-09-15. Review status: criteria provided, single submitter. Criteria: Invitae Variant Classification Sherloc (09022015). Collection method: clinical testing. Allele origin: germline.
Comment: This variant, c.94_96dup, results in the insertion of 1 amino acid(s) of the MATR3 protein (p.Ala32dup), but otherwise preserves the integrity of the reading frame. This variant is present in population databases (rs771230747, gnomAD 0.006%). This variant has not been reported in the literature in individuals affected with MATR3-related conditions. In summary, the available evidence is currently insufficient to determine the role of this variant in disease. Therefore, it has been classified as a Variant of Uncertain Significance.

NM_018834.6(MATR3):c.88GCT[4] (p.Ala32_Thr33insAla)

Gene: MATR3 (matrin 3; plus strand). Cytogenetic location: 5q31.2.
Variant type: Microsatellite.
Coding change: c.88GCT[4] on transcript NM_018834.6 (MANE Select); four copies in a row of the 3-base unit GCT starting at c.88; the reference has three copies in a row; one copy, 3 bases duplicated.
Protein change: p.Ala32_Thr33insAla.
Molecular consequence: inframe insertion. On other transcripts: intron variant (11).
Genome position (GRCh38, 1-based): chr5:139,307,509-139,307,511, GCT duplicated; duplicating any 3 consecutive bases within chr5:139,307,502-139,307,511 gives the same sequence; the position shown is the placement nearest the transcript's 3' end. VCF-style (leftmost placement, unchanged base first): chr5-139307501-T-TTGC. GRCh37 (hg19) VCF-style: chr5-138643190-T-TTGC.
Other names: c.88GCT[4], p.Ala32_Thr33insAla (NM_001194954.2, NM_001194955.2, NM_001400441.1 and 16 more transcripts); c.52-7173TGC[4] (NM_001400459.1); c.-102-7173TGC[4] (NM_001400463.1, NM_001400460.1, NM_001282278.2 and 3 more transcripts); c.-40-8195TGC[4] (NM_001400462.1, NM_001400467.1); c.13-7173TGC[4] (NM_001400461.1); c.49-7173TGC[4] (NM_001194956.2).
Identifiers: ClinVar variation 2189779 (VCV002189779.4), dbSNP rs771230747, ClinGen allele CA3432870.